The following is an entry in ClinVar:

NM_001161403.3(LIMS2):c.-3A>T

Gene: LIMS2 (LIM zinc finger domain containing 2; minus strand). Cytogenetic location: 2q14.3.
Variant type: single nucleotide variant.
Coding change: c.-3A>T on transcript NM_001161403.3 (MANE Select); 3 bases upstream of the start codon, A replaced by T.
Molecular consequence: 5 prime UTR variant. On other transcripts: intron variant (1).
Genome position (GRCh38, 1-based): chr2:127,675,027, T>A on the plus strand (A>T on the coding strand, the complement: LIMS2 is on the minus strand). VCF-style: chr2-127675027-T-A. GRCh37 (hg19) VCF-style: chr2-128432601-T-A.
Other names: c.-3A>T (NM_001136037.4); c.-5+6293A>T (NM_001161404.2).
Identifiers: ClinVar variation 3040083 (VCV003040083.2), dbSNP rs748344208, ClinGen allele CA1863629.
Genomic context (GRCh38, chr2:127,675,027, plus strand): 5'-CCGCAGTCCCGCCTCCCCGGCCCGGGGGCGTGGGTGGGGGCCGTTACCTTCCCGTCATGG[T>A]GGCAGCGACGCCGAGCCCTGGGTTGCCGGGGTTGCCGCGGGTCTCCCTCTGCTGCTGCAG-3'

ClinVar aggregate classification (germline): Likely benign (0 of 4 stars; one submission).

Conditions:
LIMS2-related disorder. Also called: LIMS2-related condition.

Allele frequency attached by ClinVar (database versions not stated): TOPMed 0.00021; gnomAD exomes below 0.00001.
gnomAD v4.1: 27 of 1,229,586 alleles (0.0022%); highest among the groups gnomAD compares: Admixed American, 0.025%; no homozygotes.

Submission:

PreventionGenetics, part of Exact Sciences
Classification: Likely benign for LIMS2-related condition. Last evaluated: 2019-09-17. Review status: no assertion criteria provided. Collection method: clinical testing. Allele origin: germline.
Comment: This variant is classified as likely benign based on ACMG/AMP sequence variant interpretation guidelines (Richards et al. 2015 PMID: 25741868, with internal and published modifications).